The following is an entry in ClinVar:

NM_020975.6(RET):c.2849A>G (p.Asn950Ser)

Gene: RET (ret proto-oncogene; plus strand). Cytogenetic location: 10q11.21.
Variant type: single nucleotide variant.
Coding change: c.2849A>G on transcript NM_020975.6 (MANE Select); coding-DNA position 2849, A replaced by G.
Protein change: p.Asn950Ser; replaces asparagine 950 with serine.
Molecular consequence: missense variant.
Genome position (GRCh38, 1-based): chr10:43,123,718, A>G. VCF-style: chr10-43123718-A-G. GRCh37 (hg19) VCF-style: chr10-43619166-A-G.
Other names: c.2087A>G, p.Asn696Ser (NM_001355216.2); c.2849A>G, p.Asn950Ser (NM_001406743.1, NM_001406744.1, NM_001406759.1 and 2 more transcripts); c.2561A>G, p.Asn854Ser (NM_001406770.1, NM_001406766.1, NM_001406767.1); c.2411A>G, p.Asn804Ser (NM_001406771.1, NM_001406773.1); c.2453A>G, p.Asn818Ser (NM_001406772.1, NM_001406769.1); c.2324A>G, p.Asn775Ser (NM_001406774.1); c.2123A>G, p.Asn708Ser (NM_001406775.1, NM_001406776.1, NM_001406777.1 and 1 more transcripts); c.1664A>G, p.Asn555Ser (NM_001406789.1, NM_001406790.1, NM_001406788.1); and 10 more; short protein forms N818S, N854S, N611S, N708S, N905S, N907S, N608S, N620S.
Identifiers: ClinVar variation 3313746 (VCV003313746.3).

ClinVar aggregate classification (germline): Uncertain significance. Review status: criteria provided, multiple submitters, no conflicts (2 of 4 stars). 2 submissions from 2 submitters: Uncertain significance (2). Last evaluated 2024-08-08.

Conditions:
Multiple endocrine neoplasia, type 2 (MEN2). Identifiers: Orphanet 653, MedGen C4048306, MONDO:0019003. Disease mechanism: gain of function.
Hereditary cancer-predisposing syndrome. Also called: Neoplastic Syndromes, Hereditary; Tumor predisposition; Hereditary neoplastic syndrome; Hereditary Cancer Syndrome. Identifiers: Orphanet 140162, MedGen C0027672, MeSH D009386, MONDO:0015356.

Submissions (2):

Labcorp Genetics (formerly Invitae), Labcorp
Classification: Uncertain significance for Multiple endocrine neoplasia, type 2. Last evaluated: 2024-08-08. Review status: criteria provided, single submitter. Criteria: Invitae Variant Classification Sherloc (09022015). Collection method: clinical testing. Allele origin: germline.
Comment: This sequence change replaces asparagine, which is neutral and polar, with serine, which is neutral and polar, at codon 950 of the RET protein (p.Asn950Ser). This variant is not present in population databases (gnomAD no frequency). This variant has not been reported in the literature in individuals affected with RET-related conditions. An algorithm developed to predict the effect of missense changes on protein structure and function (PolyPhen-2) suggests that this variant is likely to be tolerated. In summary, the available evidence is currently insufficient to determine the role of this variant in disease. Therefore, it has been classified as a Variant of Uncertain Significance.

Ambry Genetics
Classification: Uncertain significance for Hereditary cancer-predisposing syndrome. Last evaluated: 2024-06-13. Review status: criteria provided, single submitter. Criteria: Ambry Variant Classification Scheme 2023. Collection method: clinical testing. Allele origin: germline.
Comment: The p.N950S variant (also known as c.2849A>G), located in coding exon 17 of the RET gene, results from an A to G substitution at nucleotide position 2849. The asparagine at codon 950 is replaced by serine, an amino acid with highly similar properties. This amino acid position is conserved. In addition, this alteration is predicted to be tolerated by in silico analysis. Based on the available evidence, the clinical significance of this variant remains unclear.